The following is an entry in ClinVar:

NM_001348716.2(KDM6B):c.904C>T (p.Arg302Cys)

Gene: KDM6B (lysine demethylase 6B; plus strand). Cytogenetic location: 17p13.1.
Variant type: single nucleotide variant.
Coding change: c.904C>T on transcript NM_001348716.2 (MANE Select); coding-DNA position 904, C replaced by T.
Protein change: p.Arg302Cys; replaces arginine 302 with cysteine.
Molecular consequence: missense variant.
Genome position (GRCh38, 1-based): chr17:7,847,011, C>T. VCF-style: chr17-7847011-C-T. GRCh37 (hg19) VCF-style: chr17-7750329-C-T.
Other names: c.904C>T, p.Arg302Cys (NM_001080424.2); short protein forms R302C.
Identifiers: ClinVar variation 2330584 (VCV002330584.24), dbSNP rs755103814, ClinGen allele CA8360412.

ClinVar aggregate classification (germline): Conflicting classifications of pathogenicity. Review status: criteria provided, conflicting classifications (1 of 4 stars). 2 submissions from 2 submitters: Uncertain significance (1); Likely benign (1). Last evaluated 2024-02-01.

Conditions:
Inborn genetic diseases. Identifiers: MedGen C0950123, MeSH D030342.

Allele frequency attached by ClinVar (database versions not stated): TOPMed below 0.00001; gnomAD 0.00001; gnomAD exomes 0.00001; ExAC 0.00002.
gnomAD v4.1: 14 of 1,613,560 alleles (0.00087%); highest among the groups gnomAD compares: African/African-American, 0.004%; no homozygotes.

Submissions (2):

CeGaT Center for Human Genetics Tuebingen
Classification: Likely benign. Last evaluated: 2024-02-01. Review status: criteria provided, single submitter. Criteria: CeGaT Center For Human Genetics Tuebingen Variant Classification Criteria Version 2. Collection method: clinical testing. Allele origin: germline. Affected: yes. Observed: 1 variant allele.
Comment: KDM6B: BP5

Ambry Genetics
Classification: Uncertain significance for Inborn genetic diseases. Last evaluated: 2022-12-01. Review status: criteria provided, single submitter. Criteria: Ambry Variant Classification Scheme 2023. Collection method: clinical testing. Allele origin: germline.